The following is an entry in ClinVar:

NM_001283009.2(RTEL1):c.3761C>G (p.Pro1254Arg)

Genes: RTEL1 (regulator of telomere elongation helicase 1; plus strand), RTEL1-TNFRSF6B (RTEL1-TNFRSF6B readthrough (NMD candidate); plus strand). Cytogenetic location: 20q13.33.
Variant type: single nucleotide variant.
Coding change: c.3761C>G on transcript NM_001283009.2 (MANE Select); coding-DNA position 3761, C replaced by G.
Protein change: p.Pro1254Arg; replaces proline 1254 with arginine.
Molecular consequence: missense variant. On other transcripts: non-coding transcript variant (1), intron variant (3).
Genome position (GRCh38, 1-based): chr20:63,695,589, C>G. VCF-style: chr20-63695589-C-G. GRCh37 (hg19) VCF-style: chr20-62326942-C-G.
Other names: c.2983+109C>G (NM_001283010.1); c.3724+109C>G (NM_032957.5); c.3652+109C>G (NM_016434.4); short protein forms P1254R.
Identifiers: ClinVar variation 3790958 (VCV003790958.1).

ClinVar aggregate classification (germline): Uncertain significance (1 of 4 stars; one submission).

Conditions:
Inborn genetic diseases. Identifiers: MedGen C0950123, MeSH D030342.

gnomAD v4.1: 2 of 1,612,090 alleles (0.00012%); highest among the groups gnomAD compares: Non-Finnish European, 0.000085%; no homozygotes.

Submission:

Ambry Genetics
Classification: Uncertain significance for Inborn genetic diseases. Last evaluated: 2024-12-12. Review status: criteria provided, single submitter. Criteria: Ambry Variant Classification Scheme 2023. Collection method: clinical testing. Allele origin: germline.
Comment: The p.P1254R variant (also known as c.3761C>G), located in coding exon 33 of the RTEL1 gene, results from a C to G substitution at nucleotide position 3761. The proline at codon 1254 is replaced by arginine, an amino acid with dissimilar properties. This amino acid position is conserved. In addition, this alteration is predicted to be tolerated by in silico analysis. Based on the available evidence, the clinical significance of this variant remains unclear.